The following is an entry in ClinVar:

ClinVar aggregate classification (germline): Benign/Likely benign. Review status: criteria provided, multiple submitters, no conflicts (2 of 4 stars). 8 submissions from 8 submitters: Benign (4); Likely benign (4). Last evaluated 2026-05-01.

Conditions:
Deafness, congenital heart defects, and posterior embryotoxon (DCHE). Identifiers: MedGen C1866053, MONDO:0060713, OMIM 617992.
Charcot-Marie-Tooth disease, axonal, Type 2HH. Also called: CHARCOT-MARIE-TOOTH NEUROPATHY, TYPE 2HH. Identifiers: MedGen C5562003, MONDO:0030458, OMIM 619574.
Tetralogy of Fallot (TOF). Identifiers: Orphanet 3303, MedGen C0039685, MONDO:0008542, OMIM 187500, HP:0001636.
Alagille syndrome due to a JAG1 point mutation. Also called: HEPATIC DUCTULAR HYPOPLASIA, SYNDROMATIC; JAG1-Related Alagille Syndrome; Alagille Syndrome 1. Identifiers: Orphanet 261619, Orphanet 52, MedGen C1956125, MONDO:0016862, OMIM 118450.
Isolated Nonsyndromic Congenital Heart Disease.
Cardiovascular phenotype. Identifiers: MedGen CN230736.

Allele frequency attached by ClinVar (database versions not stated): gnomAD 0.00002 and 0.00031; TOPMed 0.00005; 1000 Genomes Project 0.00220; 1000 Genomes Project 30x 0.00234.
gnomAD v4.1: 683 of 1,613,064 alleles (0.042%); highest among the groups gnomAD compares: South Asian, 0.72%; 8 homozygotes.

Submissions (9):

CeGaT Center for Human Genetics Tuebingen
Classification: Likely benign. Last evaluated: 2026-05-01. Review status: criteria provided, single submitter. Criteria: CeGaT Center For Human Genetics Tuebingen Variant Classification Criteria Version 2. Collection method: clinical testing. Allele origin: germline. Affected: yes. Observed: 3 variant alleles.
Comment: JAG1: BP4, BS1

Labcorp Genetics (formerly Invitae), Labcorp
Classification: Benign for Alagille syndrome due to a JAG1 point mutation. Last evaluated: 2025-12-15. Review status: criteria provided, single submitter. Criteria: Invitae Variant Classification Sherloc (09022015). Collection method: clinical testing. Allele origin: germline.

Blueprint Genetics
Classification: Likely benign. Last evaluated: 2024-09-18. Review status: criteria provided, single submitter. Criteria: ACMG Guidelines, 2015. Collection method: clinical testing. Allele origin: germline.

Fulgent Genetics
Classification: Benign for Alagille syndrome due to a JAG1 point mutation; Tetralogy of Fallot; Deafness, congenital heart defects, and posterior embryotoxon; Charcot-Marie-Tooth disease, axonal, Type 2HH. Last evaluated: 2021-10-20. Review status: criteria provided, single submitter. Criteria: ACMG Guidelines, 2015. Collection method: clinical testing. Allele origin: unknown.

GeneDx
Classification: Likely benign. Last evaluated: 2019-10-07. Review status: criteria provided, single submitter. Criteria: GeneDx Variant Classification Process June 2021. Collection method: clinical testing. Allele origin: germline. Affected: yes.

Ambry Genetics
Classification: Likely benign for Cardiovascular phenotype. Last evaluated: 2018-01-15. Review status: criteria provided, single submitter. Criteria: Ambry Variant Classification Scheme 2023. Collection method: clinical testing. Allele origin: germline.

Illumina Laboratory Services, Illumina
Classification: Benign for Isolated Nonsyndromic Congenital Heart Disease. Last evaluated: 2018-01-13. Review status: criteria provided, single submitter. Criteria: ICSL Variant Classification Criteria 13 December 2019. Collection method: clinical testing. Allele origin: germline.
Comment: This variant was observed in the ICSL laboratory as part of a predisposition screen in an ostensibly healthy population. It had not been previously curated by ICSL or reported in the Human Gene Mutation Database (HGMD: prior to June 1st, 2018), and was therefore a candidate for classification through an automated scoring system. Utilizing variant allele frequency, disease prevalence and penetrance estimates, and inheritance mode, an automated score was calculated to assess if this variant is too frequent to cause the disease. Based on the score and internal cut-off values, a variant classified as benign is not then subjected to further curation. The score for this variant resulted in a classification of benign for this disease.

Eurofins Ntd Llc (ga)
Classification: Benign. Last evaluated: 2017-07-10. Review status: criteria provided, single submitter. Criteria: EGL Classification Definitions 2015. Collection method: clinical testing. Allele origin: germline. Observed: 1 variant allele, 1 homozygote.

Dr. Peter K. Rogan Lab, Western University
No classification provided (evidence only). Condition: Clear cell carcinoma of kidney. Review status: no classification provided. Collection method: in vitro. Allele origin: not applicable. Functional consequence: retained intron. Not counted in ClinVar's aggregate classification.

NM_000214.3(JAG1):c.388-4G>C

Gene: JAG1 (jagged canonical Notch ligand 1; minus strand). Cytogenetic location: 20p12.2.
Variant type: single nucleotide variant.
Coding change: c.388-4G>C on transcript NM_000214.3 (MANE Select); 4 bases into the intron before coding-DNA position 388, G replaced by C.
Molecular consequence: intron variant.
Genome position (GRCh38, 1-based): chr20:10,664,018, C>G on the plus strand (G>C on the coding strand, the complement: JAG1 is on the minus strand). VCF-style: chr20-10664018-C-G. GRCh37 (hg19) VCF-style: chr20-10644666-C-G.
Other names: c.388-4G>C (LRG_1191t1).
Identifiers: ClinVar variation 337759 (VCV000337759.49), dbSNP rs567027490, ClinGen allele CA9765148.